The following is an entry in ClinVar:

NM_000377.3(WAS):c.105_106del (p.Leu35_Phe36insTer)

Gene: WAS (WASP actin nucleation promoting factor; plus strand). Cytogenetic location: Xp11.23.
Variant type: Microsatellite.
Coding change: c.105_106del on transcript NM_000377.3 (MANE Select); coding-DNA positions 105 to 106, 2 bases deleted (CT; older notation c.105_106delCT).
Protein change: p.Leu35_Phe36insTer.
Molecular consequence: frameshift variant.
Genome position (GRCh38, 1-based): chrX:48,683,958-48,683,959, CT deleted; deleting any 2 consecutive bases within chrX:48,683,956-48,683,959 gives the same sequence; the c. name uses the placement nearest the transcript's 3' end. VCF-style (leftmost placement, unchanged base first): chrX-48683955-ACT-A. GRCh37 (hg19) VCF-style: chrX-48542344-ACT-A.
Identifiers: ClinVar variation 3758858 (VCV003758858.2).

ClinVar aggregate classification (germline): Pathogenic (1 of 4 stars; one submission).

Conditions:
X-linked severe congenital neutropenia (SCNX). Identifiers: Orphanet 86788, MedGen C1845987, MONDO:0010294, OMIM 300299.
Thrombocytopenia 1. Also called: THROMBOCYTOPENIA, X-LINKED, 1; X-linked thrombocytopenia with normal platelets; X-Linked Thrombocytopenia (XLT). Identifiers: Orphanet 268322, Orphanet 852, MedGen C1839163, MONDO:0010743, OMIM 313900.
Wiskott-Aldrich syndrome (WAS). Also called: ALDRICH SYNDROME; IMMUNODEFICIENCY 2; Wiskott-aldrich syndrome, somatic; WISKOTT-ALDRICH SYNDROME 1. Identifiers: Orphanet 906, MedGen C0043194, MONDO:0010518, OMIM 301000.

Submission:

Labcorp Genetics (formerly Invitae), Labcorp
Classification: Pathogenic for Wiskott-Aldrich syndrome; X-linked severe congenital neutropenia; Thrombocytopenia 1. Last evaluated: 2024-09-16. Review status: criteria provided, single submitter. Criteria: Invitae Variant Classification Sherloc (09022015). Collection method: clinical testing. Allele origin: germline.
Comment: This sequence change creates a premature translational stop signal (p.Phe36*) in the WAS gene. It is expected to result in an absent or disrupted protein product. Loss-of-function variants in WAS are known to be pathogenic (PMID: 15284122). This variant is not present in population databases (gnomAD no frequency). This variant has not been reported in the literature in individuals affected with WAS-related conditions. For these reasons, this variant has been classified as Pathogenic.

Literature cited by the submitters: PubMed 15284122.